The following is an entry in ClinVar:

NM_001868.4(CPA1):c.64G>C (p.Gly22Arg)

Gene: CPA1 (carboxypeptidase A1; plus strand). Cytogenetic location: 7q32.2.
Variant type: single nucleotide variant.
Coding change: c.64G>C on transcript NM_001868.4 (MANE Select); coding-DNA position 64, G replaced by C.
Protein change: p.Gly22Arg; replaces glycine 22 with arginine.
Molecular consequence: missense variant.
Genome position (GRCh38, 1-based): chr7:130,380,584, G>C. VCF-style: chr7-130380584-G-C. GRCh37 (hg19) VCF-style: chr7-130020425-G-C.
Other names: short protein forms G22R.
Identifiers: ClinVar variation 3221842 (VCV003221842.1), dbSNP rs1450647687, ClinGen allele CA369279142.

ClinVar aggregate classification (germline): Uncertain significance (1 of 4 stars; one submission).

Conditions:
Hereditary pancreatitis (PCTT). Also called: Hereditary chronic pancreatitis; PRSS1-Related Hereditary Pancreatitis. Identifiers: Orphanet 676, MedGen C0238339, MONDO:0008185, OMIM 167800.

gnomAD v4.1: 1 of 1,313,274 alleles (0.000076%); highest among the groups gnomAD compares: African/African-American, 0.0015%; no homozygotes.

Submission:

Ambry Genetics
Classification: Uncertain significance for Hereditary pancreatitis. Last evaluated: 2024-02-28. Review status: criteria provided, single submitter. Criteria: Ambry Variant Classification Scheme 2023. Collection method: clinical testing. Allele origin: germline.
Comment: The p.G22R variant (also known as c.64G>C), located in coding exon 1 of the CPA1 gene, results from a G to C substitution at nucleotide position 64. The glycine at codon 22 is replaced by arginine, an amino acid with dissimilar properties. This amino acid position is conserved. In addition, the in silico prediction for this alteration is inconclusive. Based on the available evidence, the clinical significance of this alteration remains unclear.